The following is an entry in ClinVar:

ClinVar aggregate classification (germline): Conflicting classifications of pathogenicity. Review status: criteria provided, conflicting classifications (1 of 4 stars). 7 submissions from 7 submitters: Uncertain significance (2); Likely benign (5). Last evaluated 2026-08-12.

Conditions:
Limb-girdle muscular dystrophy (LGMD). Also called: Muscular Dystrophies, Limb-Girdle. Identifiers: Orphanet 263, MedGen C0686353, MeSH D049288, MONDO:0016971, HP:0006785.
SYNE1-related disorder. Also called: SYNE1-related disease; SYNE1-related condition; SYNE1-related disorders.
Emery-Dreifuss muscular dystrophy 4, autosomal dominant (EDMD4). Also called: EMERY-DREIFUSS MUSCULAR DYSTROPHY 4 WITH VARIABLE FEATURES. Identifiers: Orphanet 261, MedGen C2751807, MONDO:0013071, OMIM 612998.
Autosomal recessive ataxia, Beauce type. Also called: Spinocerebellar ataxia, autosomal recessive 8; ATAXIA, RECESSIVE, OF BEAUCE; SYNE1 Deficiency; SYNE1-Related Autosomal Recessive Cerebellar Ataxia. Identifiers: Orphanet 88644, MedGen C1853116, MONDO:0012549, OMIM 610743.

Allele frequency attached by ClinVar (database versions not stated): gnomAD exomes 0.00004 and 0.00016; ExAC 0.00019; 1000 Genomes Project 0.00020; 1000 Genomes Project 30x 0.00031; gnomAD 0.00044 and 0.00046; ESP Exome Variant Server 0.00046; TOPMed 0.00055.
gnomAD v4.1: 129 of 1,614,152 alleles (0.008%); highest among the groups gnomAD compares: African/African-American, 0.16%; no homozygotes.

Submissions (7):

PreventionGenetics, part of Exact Sciences
Classification: Likely benign for SYNE1-related condition. Last evaluated: 2026-08-12. Review status: criteria provided, single submitter. Criteria: ACMG Guidelines, 2015. Collection method: clinical testing. Allele origin: germline.
Comment: This variant is classified as likely benign based on ACMG/AMP sequence variant interpretation guidelines (Richards et al. 2015 PMID: 25741868, with internal and published modifications).

Athena Diagnostics
Classification: Likely benign. Last evaluated: 2025-06-13. Review status: criteria provided, single submitter. Criteria: Athena Diagnostics Criteria. Collection method: clinical testing. Allele origin: unknown.
Comment: The frequency of this variant in the general population is higher than would generally be expected for pathogenic variants in this gene. Computational tools predict this amino acid change may be benign.

Revvity Omics, Revvity
Classification: Likely benign. Last evaluated: 2025-02-23. Review status: criteria provided, single submitter. Criteria: ACMG Guidelines, 2015. Collection method: clinical testing. Allele origin: germline.

Labcorp Genetics (formerly Invitae), Labcorp
Classification: Uncertain significance for Emery-Dreifuss muscular dystrophy 4, autosomal dominant; Autosomal recessive ataxia, Beauce type. Last evaluated: 2024-12-14. Review status: criteria provided, single submitter. Criteria: Invitae Variant Classification Sherloc (09022015). Collection method: clinical testing. Allele origin: germline.
Comment: This sequence change replaces lysine, which is basic and polar, with arginine, which is basic and polar, at codon 6930 of the SYNE1 protein (p.Lys6930Arg). This variant is present in population databases (rs145075161, gnomAD 0.2%). This variant has not been reported in the literature in individuals affected with SYNE1-related conditions. ClinVar contains an entry for this variant (Variation ID: 805563). An algorithm developed to predict the effect of missense changes on protein structure and function outputs the following: PolyPhen-2: "Benign". The arginine amino acid residue is found in multiple mammalian species, which suggests that this missense change does not adversely affect protein function. In summary, the available evidence is currently insufficient to determine the role of this variant in disease. Therefore, it has been classified as a Variant of Uncertain Significance.

Mayo Clinic Laboratories, Mayo Clinic
Classification: Likely benign. Last evaluated: 2024-11-07. Review status: criteria provided, single submitter. Criteria: ACMG Guidelines, 2015. Collection method: clinical testing. Allele origin: germline. Observed: 2 variant alleles.
Comment: BS1, BP4

GeneDx
Classification: Uncertain significance. Last evaluated: 2021-06-10. Review status: criteria provided, single submitter. Criteria: GeneDx Variant Classification Process June 2021. Collection method: clinical testing. Allele origin: germline. Affected: yes.
Comment: In silico analysis supports that this missense variant does not alter protein structure/function; Has not been previously published as pathogenic or benign to our knowledge; This variant is associated with the following publications: (PMID: 27535533)

Cambridge Genomics Laboratory, East Genomic Laboratory Hub, NHS Genomic Medicine Service
Classification: Likely benign for Limb-girdle muscular dystrophy. Last evaluated: 2019-09-03. Review status: criteria provided, single submitter. Criteria: ACGS Best Practice Guidelines for Variant Classification in Rare Disease 2020. Collection method: clinical testing. Allele origin: germline. Affected: yes. Observed: 1 variant allele.

NM_182961.4(SYNE1):c.21002A>G (p.Lys7001Arg)

Gene: SYNE1 (spectrin repeat containing nuclear envelope protein 1; minus strand). Cytogenetic location: 6q25.2.
Variant type: single nucleotide variant.
Coding change: c.21002A>G on transcript NM_182961.4 (MANE Select); coding-DNA position 21002, A replaced by G.
Protein change: p.Lys7001Arg; replaces lysine 7001 with arginine.
Molecular consequence: missense variant.
Genome position (GRCh38, 1-based): chr6:152,231,428, T>C on the plus strand (A>G on the coding strand, the complement: SYNE1 is on the minus strand). VCF-style: chr6-152231428-T-C. GRCh37 (hg19) VCF-style: chr6-152552563-T-C.
Other names: p.Lys6930Arg; c.20789A>G, p.Lys6930Arg (NM_033071.5); short protein forms K6930R, K7001R.
Identifiers: ClinVar variation 805563 (VCV000805563.16), dbSNP rs145075161, ClinGen allele CA4054280.